The following is an entry in ClinVar:

ClinVar aggregate classification (germline): Conflicting classifications of pathogenicity. Review status: criteria provided, conflicting classifications (1 of 4 stars). 3 submissions from 3 submitters: Uncertain significance (1); Likely benign (2). Last evaluated 2026-01-17.

Conditions:
COG5-congenital disorder of glycosylation. Also called: CONGENITAL DISORDER OF GLYCOSYLATION, TYPE IIi; CDG IIi; COG5-CDG. Identifiers: Orphanet 263487, MedGen C3150876, MONDO:0013325, OMIM 613612.

Allele frequency attached by ClinVar (database versions not stated): gnomAD exomes 0.00022 and 0.00035; ExAC 0.00023; TOPMed 0.00032; gnomAD 0.00036 and 0.00037; ESP Exome Variant Server 0.00046; 1000 Genomes Project 0.00060; 1000 Genomes Project 30x 0.00109.
gnomAD v4.1: 562 of 1,614,042 alleles (0.035%); highest among the groups gnomAD compares: Non-Finnish European, 0.046%; no homozygotes.

Submissions (3):

Labcorp Genetics (formerly Invitae), Labcorp
Classification: Likely benign for COG5-congenital disorder of glycosylation. Last evaluated: 2026-01-17. Review status: criteria provided, single submitter. Criteria: Invitae Variant Classification Sherloc (09022015). Collection method: clinical testing. Allele origin: germline.

Illumina Laboratory Services, Illumina
Classification: Uncertain significance for COG5-congenital disorder of glycosylation. Last evaluated: 2018-01-13. Review status: criteria provided, single submitter. Criteria: ICSL Variant Classification Criteria 13 December 2019. Collection method: clinical testing. Allele origin: germline.

GeneDx
Classification: Likely benign. Last evaluated: 2017-05-22. Review status: criteria provided, single submitter. Criteria: GeneDx Variant Classification (06012015). Collection method: clinical testing. Allele origin: germline. Affected: yes.
Comment: This variant is considered likely benign or benign based on one or more of the following criteria: it is a conservative change, it occurs at a poorly conserved position in the protein, it is predicted to be benign by multiple in silico algorithms, and/or has population frequency not consistent with disease.

NM_006348.5(COG5):c.264A>G (p.Ala88=)

Gene: COG5 (component of oligomeric golgi complex 5; minus strand). Cytogenetic location: 7q22.3.
Variant type: single nucleotide variant.
Coding change: c.264A>G on transcript NM_006348.5 (MANE Select); coding-DNA position 264, A replaced by G.
Protein change: p.Ala88=; no amino-acid change (alanine 88 retained).
Molecular consequence: synonymous variant. On other transcripts: intron variant (1).
Genome position (GRCh38, 1-based): chr7:107,554,313, T>C on the plus strand (A>G on the coding strand, the complement: COG5 is on the minus strand). VCF-style: chr7-107554313-T-C. GRCh37 (hg19) VCF-style: chr7-107194758-T-C.
Other names: c.264A>G, p.Ala88= (NM_181733.4, NM_001161520.2, NM_001379511.1 and 4 more transcripts); c.234+3663A>G (NM_001379516.1).
Identifiers: ClinVar variation 358474 (VCV000358474.16), dbSNP rs113660545, ClinGen allele CA4431477.